The following is an entry in ClinVar:

ClinVar aggregate classification (germline): Pathogenic (1 of 4 stars; one submission).

Conditions:
Neurodevelopmental disorder with spasticity, seizures, and brain abnormalities (NEDSSBA). Identifiers: MedGen C5774197, MONDO:0859275, OMIM 620001.

Submission:

3billion
Classification: Pathogenic for Neurodevelopmental disorder with spasticity, seizures, and brain abnormalities. Last evaluated: 2024-02-26. Review status: criteria provided, single submitter. Criteria: ACMG Guidelines, 2015. Collection method: clinical testing. Allele origin: germline. Affected: yes.
Comment: The variant is not observed in the gnomAD v2.1.1 dataset. Predicted Consequence/Location: Stop-gained (nonsense): predicted to result in a loss or disruption of normal protein function through protein truncation. Multiple pathogenic variants are reported in the predicted truncated region. Therefore, this variant is classified as Pathogenic according to the recommendation of ACMG/AMP guideline.

NM_032141.4(NSRP1):c.1324del (p.Glu441_Val442insTer)

Gene: NSRP1 (nuclear speckle splicing regulatory protein 1; plus strand). Cytogenetic location: 17q11.2.
Variant type: Deletion.
Coding change: c.1324del on transcript NM_032141.4 (MANE Select); coding-DNA position 1324, one base deleted (G; older notation c.1324delG).
Protein change: p.Glu441_Val442insTer.
Molecular consequence: nonsense.
Genome position (GRCh38, 1-based): chr17:30,185,321, G deleted; the last of 2 consecutive G bases (chr17:30,185,320-30,185,321); deleting either gives the same sequence. VCF-style (leftmost placement, unchanged base first): chr17-30185319-AG-A. GRCh37 (hg19) VCF-style: chr17-28512337-AG-A.
Other names: c.1162del, p.Glu387_Val388insTer (NM_001261467.2).
Identifiers: ClinVar variation 1687281 (VCV001687281.3), dbSNP rs2143011578, ClinGen allele CA2573153202.
Genomic context (GRCh38, chr17:30,185,319, plus strand): 5'-TGAAAGTAAGGAAGGAAAGATATGAAAATAATGATAAATACAGAGATAGAGAAAAACGAG[AG>A]GTAGGTGTTCAGTCTTCAGAAAGAAATCAAGACAGAAAGGAAAGCAGCCCAAATTCTAGG-3'